The following is an entry in ClinVar:

ClinVar aggregate classification (germline): Uncertain significance. Review status: criteria provided, multiple submitters, no conflicts (2 of 4 stars). 2 submissions from 2 submitters: Uncertain significance (2). Last evaluated 2021-07-06.

Conditions:
Hereditary cancer-predisposing syndrome. Also called: Tumor predisposition; Hereditary neoplastic syndrome; Neoplastic Syndromes, Hereditary; Hereditary Cancer Syndrome. Identifiers: Orphanet 140162, MedGen C0027672, MeSH D009386, MONDO:0015356.
Cardiovascular phenotype. Identifiers: MedGen CN230736.
Neurofibromatosis, type 1 (NF1). Also called: VON RECKLINGHAUSEN DISEASE; Neurofibromatosis, type I; NEUROFIBROMATOSIS, TYPE I, SOMATIC; Peripheral type neurofibromatosis. Identifiers: Orphanet 636, MedGen C0027831, MONDO:0018975, OMIM 162200. Disease mechanism: loss of function.
Familial ovarian cancer. Identifiers: MedGen C5679802, MONDO:0016248.

Submissions (2):

Ambry Genetics
Classification: Uncertain significance for Cardiovascular phenotype; Hereditary cancer-predisposing syndrome. Last evaluated: 2021-07-06. Review status: criteria provided, single submitter. Criteria: Ambry Variant Classification Scheme 2023. Collection method: clinical testing. Allele origin: germline.
Comment: The p.D229H variant (also known as c.685G>C), located in coding exon 7 of the NF1 gene, results from a G to C substitution at nucleotide position 685. The aspartic acid at codon 229 is replaced by histidine, an amino acid with similar properties. This amino acid position is highly conserved in available vertebrate species. In addition, this alteration is predicted to be deleterious by in silico analysis. Since supporting evidence is limited at this time, the clinical significance of this alteration remains unclear.

Labcorp Genetics (formerly Invitae), Labcorp
Classification: Uncertain significance for Neurofibromatosis, type 1. Last evaluated: 2019-07-23. Review status: criteria provided, single submitter. Criteria: Invitae Variant Classification Sherloc (09022015). Collection method: clinical testing. Allele origin: germline.
Comment: This sequence change replaces aspartic acid with histidine at codon 229 of the NF1 protein (p.Asp229His). The aspartic acid residue is highly conserved and there is a moderate physicochemical difference between aspartic acid and histidine. This variant is not present in population databases (ExAC no frequency). This variant has not been reported in the literature in individuals with NF1-related conditions. Algorithms developed to predict the effect of missense changes on protein structure and function are either unavailable or do not agree on the potential impact of this missense change (SIFT: "Deleterious"; PolyPhen-2: "Possibly Damaging"; Align-GVGD: "Class C0"). In summary, the available evidence is currently insufficient to determine the role of this variant in disease. Therefore, it has been classified as a Variant of Uncertain Significance.

NM_001042492.3(NF1):c.685G>C (p.Asp229His)

Gene: NF1 (neurofibromin 1; plus strand). Cytogenetic location: 17q11.2.
Variant type: single nucleotide variant.
Coding change: c.685G>C on transcript NM_001042492.3 (MANE Select); coding-DNA position 685, G replaced by C.
Protein change: p.Asp229His; replaces aspartic acid 229 with histidine.
Molecular consequence: missense variant.
Genome position (GRCh38, 1-based): chr17:31,181,740, G>C. VCF-style: chr17-31181740-G-C. GRCh37 (hg19) VCF-style: chr17-29508758-G-C.
Other names: c.685G>C, p.Asp229His (NM_000267.4, NM_001128147.3); short protein forms D229H.
Identifiers: ClinVar variation 944530 (VCV000944530.10), dbSNP rs2066138591, ClinGen allele CA398989920.
Genomic context (GRCh38, chr17:31,181,740, plus strand): 5'-CTGTAAAGACATGTGGTTCTTTATTTATAGGCATTTTGGAACTGGGTAGAAAATTATCCA[G>C]ATGAATTTACAAAACTGTACCAGATCCCACAGACTGATATGGCTGGTAAGGATACGATTG-3'
Protein context (NP_001035957.1, residues 219-239): AFWNWVENYP[Asp229His]EFTKLYQIPQ